The following is an entry in ClinVar:

ClinVar aggregate classification (germline): Uncertain significance (1 of 4 stars; one submission).

Conditions:
Propionic acidemia (PROP). Also called: GLYCINEMIA, KETOTIC; HYPERGLYCINEMIA WITH KETOACIDOSIS AND LEUKOPENIA; KETOTIC HYPERGLYCINEMIA. Identifiers: Orphanet 35, MedGen C0268579, MONDO:0011628, OMIM 606054, HP:0003571.

Allele frequency attached by ClinVar (database versions not stated): gnomAD 0.00001; gnomAD exomes 0.00001; ExAC 0.00002.
gnomAD v4.1: 9 of 1,613,962 alleles (0.00056%); highest among the groups gnomAD compares: East Asian, 0.013%; no homozygotes.

Submission:

Labcorp Genetics (formerly Invitae), Labcorp
Classification: Uncertain significance for Propionic acidemia. Last evaluated: 2025-11-24. Review status: criteria provided, single submitter. Criteria: Invitae Variant Classification Sherloc (09022015). Collection method: clinical testing. Allele origin: germline.
Comment: This sequence change replaces isoleucine, which is neutral and non-polar, with valine, which is neutral and non-polar, at codon 391 of the PCCA protein (p.Ile391Val). This variant is present in population databases (rs768254974, gnomAD 0.02%). This variant has not been reported in the literature in individuals affected with PCCA-related conditions. ClinVar contains an entry for this variant (Variation ID: 2413369). Invitae Evidence Modeling of protein sequence and biophysical properties (such as structural, functional, and spatial information, amino acid conservation, physicochemical variation, residue mobility, and thermodynamic stability) has been performed for this missense variant. However, the output from this modeling did not meet the statistical confidence thresholds required to predict the impact of this variant on PCCA protein function. In summary, the available evidence is currently insufficient to determine the role of this variant in disease. Therefore, it has been classified as a Variant of Uncertain Significance.

NM_000282.4(PCCA):c.1171A>G (p.Ile391Val)

Gene: PCCA (propionyl-CoA carboxylase subunit alpha; plus strand). Cytogenetic location: 13q32.3.
Variant type: single nucleotide variant.
Coding change: c.1171A>G on transcript NM_000282.4 (MANE Select); coding-DNA position 1171, A replaced by G.
Protein change: p.Ile391Val; replaces isoleucine 391 with valine.
Molecular consequence: missense variant. On other transcripts: non-coding transcript variant (5), intron variant (3).
Genome position (GRCh38, 1-based): chr13:100,301,565, A>G. VCF-style: chr13-100301565-A-G. GRCh37 (hg19) VCF-style: chr13-100953819-A-G.
Other names: c.1093A>G, p.Ile365Val (NM_001127692.3, NM_001352607.2); c.1171A>G, p.Ile391Val (NM_001178004.2, NM_001352605.2, NM_001352609.2); c.226A>G, p.Ile76Val (NM_001352610.2, NM_001352611.2); c.1066-1359A>G (NM_001352606.2); c.121-1359A>G (NM_001352612.2); c.988-1359A>G (NM_001352608.2); short protein forms I365V, I391V, I76V.
Identifiers: ClinVar variation 2413369 (VCV002413369.4), dbSNP rs768254974, ClinGen allele CA7033521.